The following is an entry in ClinVar:

NM_172107.4(KCNQ2):c.820A>T (p.Thr274Ser)

Gene: KCNQ2 (potassium voltage-gated channel subfamily Q member 2; minus strand). Cytogenetic location: 20q13.33.
Variant type: single nucleotide variant.
Coding change: c.820A>T on transcript NM_172107.4 (MANE Select); coding-DNA position 820, A replaced by T.
Protein change: p.Thr274Ser; replaces threonine 274 with serine.
Molecular consequence: missense variant.
Genome position (GRCh38, 1-based): chr20:63,439,705, T>A on the plus strand (A>T on the coding strand, the complement: KCNQ2 is on the minus strand). VCF-style: chr20-63439705-T-A. GRCh37 (hg19) VCF-style: chr20-62071058-T-A.
Other names: c.820A>T, p.Thr274Ser (NM_001382235.1, NM_004518.6, NM_172106.3 and 2 more transcripts); short protein forms T274S.
Identifiers: ClinVar variation 3236070 (VCV003236070.1), dbSNP rs2516421132, ClinGen allele CA409652772.
Genomic context (GRCh38, chr20:63,439,705, plus strand): 5'-CAAGGAGCCTGCCGTTCCAGGTCTGGGGGTACTTGTCCCCGTAGCCAATGGTGGTCAGCG[T>A]GATCTGTGGGACCGCAGGCTCTAGTCACACGAAGGGCCTGCTCACACCCCTGAGGGCAGG-3'
Protein context (NP_742105.1, residues 264-284): YADALWWGLI[Thr274Ser]LTTIGYGDKY

ClinVar aggregate classification (germline): Likely pathogenic (1 of 4 stars; one submission).

Conditions:
Developmental and epileptic encephalopathy, 7 (DEE7). Also called: Early infantile epileptic encephalopathy 7; KCNQ2-Related Neonatal-Onset Developmental and Epileptic Encephalopathy (NEO-DEE); KCNQ2-Related Neonatal Epileptic Encephalopathy. Identifiers: Orphanet 439218, MedGen C3150986, MONDO:0013387, OMIM 613720.

Submission:

MVZ Medizinische Genetik Mainz
Classification: Likely pathogenic for Developmental and epileptic encephalopathy, 7. Last evaluated: 2022-09-22. Review status: criteria provided, single submitter. Criteria: UK Practice Guidelines For Variant Classification V4 01 2020. Collection method: clinical testing. Allele origin: germline. Inheritance: Autosomal dominant inheritance. Affected: yes. Observed: 1 variant allele.
Comment: ACMG Criteria: PM5, PM2_SUP, PP2, PP3, PP4